The following is an entry in ClinVar:

ClinVar aggregate classification (germline): Uncertain significance (1 of 4 stars; one submission).

gnomAD v4.1: 2 of 1,571,792 alleles (0.00013%); highest among the groups gnomAD compares: African/African-American, 0.0014%; no homozygotes.

Submission:

GeneDx
Classification: Uncertain significance. Last evaluated: 2024-02-20. Review status: criteria provided, single submitter. Criteria: GeneDx Variant Classification Process June 2021. Collection method: clinical testing. Allele origin: germline. Affected: yes.
Comment: Not observed in large population cohorts (gnomAD); In silico analysis supports that this missense variant does not alter protein structure/function; Has not been previously published as pathogenic or benign to our knowledge

NM_001273.5(CHD4):c.20C>A (p.Ser7Tyr)

Gene: CHD4 (chromodomain helicase DNA binding protein 4; minus strand). Cytogenetic location: 12p13.31.
Variant type: single nucleotide variant.
Coding change: c.20C>A on transcript NM_001273.5 (MANE Select); coding-DNA position 20, C replaced by A.
Protein change: p.Ser7Tyr; replaces serine 7 with tyrosine.
Molecular consequence: missense variant.
Genome position (GRCh38, 1-based): chr12:6,606,354, G>T on the plus strand (C>A on the coding strand, the complement: CHD4 is on the minus strand). VCF-style: chr12-6606354-G-T. GRCh37 (hg19) VCF-style: chr12-6715520-G-T.
Other names: c.20C>A, p.Ser7Tyr (NM_001297553.2, NM_001363606.2); short protein forms S7Y.
Identifiers: ClinVar variation 3253089 (VCV003253089.1), dbSNP rs1948698682.